The following is an entry in ClinVar:

NM_001754.5(RUNX1):c.1038C>T (p.Arg346=)

Gene: RUNX1 (RUNX family transcription factor 1; minus strand). Cytogenetic location: 21q22.12.
Variant type: single nucleotide variant.
Coding change: c.1038C>T on transcript NM_001754.5 (MANE Select); coding-DNA position 1038, C replaced by T.
Protein change: p.Arg346=; no amino-acid change (arginine 346 retained).
Molecular consequence: synonymous variant.
Genome position (GRCh38, 1-based): chr21:34,792,540, G>A on the plus strand (C>T on the coding strand, the complement: RUNX1 is on the minus strand). VCF-style: chr21-34792540-G-A. GRCh37 (hg19) VCF-style: chr21-36164837-G-A.
Other names: NM_001754.5(RUNX1):c.1038C>T; p.Arg346=; c.1038C>T (NM_001754.4); c.957C>T, p.Arg319= (NM_001001890.3).
Identifiers: ClinVar variation 1524507 (VCV001524507.10), dbSNP rs1444425488, ClinGen allele CA512341352.

ClinVar aggregate classification (germline): Likely benign. Review status: reviewed by expert panel (3 of 4 stars). 3 submissions from 3 submitters: Likely benign (1). 2 of the submissions do not count toward it. Last evaluated 2024-09-18.

Conditions:
Hereditary thrombocytopenia and hematologic cancer predisposition syndrome. Identifiers: Orphanet 71290, MedGen CN281654, MONDO:0011071.
Inborn genetic diseases. Identifiers: MedGen C0950123, MeSH D030342.
Hereditary thrombocytopenia and hematological cancer predisposition syndrome associated with RUNX1. Also called: RUNX1 Familial Platelet Disorder with Associated Myeloid Malignancies; Familial Platelet Disorder with Propensity to Acute Myelogenous Leukemia; Familial thrombocytopenia with propensity to acute myelogenous leukemia; PLATELET DISORDER, ASPIRIN-LIKE. Identifiers: Orphanet 71290, MedGen C1832388, MeSH C563324, MONDO:0100083, OMIM 601399.

Allele frequency attached by ClinVar (database versions not stated): gnomAD exomes below 0.00001; gnomAD 0.00001.
gnomAD v4.1: 2 of 1,606,690 alleles (0.00012%); highest among the groups gnomAD compares: South Asian, 0.0011%; no homozygotes.

Submissions (3):

ClinGen Myeloid Malignancy Variant Curation Expert Panel
Classification: Likely benign for Hereditary thrombocytopenia and hematologic cancer predisposition syndrome. Last evaluated: 2024-09-18. Review status: reviewed by expert panel. Criteria: ClinGen MyeloMalig ACMG Specifications v2. Collection method: curation. Allele origin: germline. Inheritance: Autosomal dominant inheritance.
Comment: NM_001754.5(RUNX1):c.1038C>T (p.Arg346=) is a synonymous variant which has a SpliceAI score ≤ 0.20 (0.0) (BP4). This variant has a SpliceAI score ≤ 0.20 (0.0) and evolutionary conservation prediction algorithms predict the site as not being conserved (PhyloP score ≤ 2.0 (0.0) (BP7). In summary, this variant meets criteria to be classified as likely benign. ACMG/AMP criteria applied, as specified by the Myeloid Malignancy Variant Curation Expert Panel for RUNX1: BP4, BP7.

Ambry Genetics
Classification: Likely benign for Inborn genetic diseases. Last evaluated: 2024-11-18. Review status: criteria provided, single submitter. Criteria: Ambry Variant Classification Scheme 2023. Collection method: clinical testing. Allele origin: germline. Not counted in ClinVar's aggregate classification.

Labcorp Genetics (formerly Invitae), Labcorp
Classification: Likely benign for Hereditary thrombocytopenia and hematological cancer predisposition syndrome associated with RUNX1. Last evaluated: 2023-07-07. Review status: criteria provided, single submitter. Criteria: Invitae Variant Classification Sherloc (09022015). Collection method: clinical testing. Allele origin: germline. Not counted in ClinVar's aggregate classification.